The following is an entry in ClinVar:

ClinVar aggregate classification (germline): Pathogenic. Review status: criteria provided, multiple submitters, no conflicts (2 of 4 stars). 2 submissions from 2 submitters: Pathogenic (2). Last evaluated 2023-06-26.

Conditions:
Brown-Vialetto-van Laere syndrome 2. Also called: Riboflavin transporter deficiency type 2; SPINOCEREBELLAR ATAXIA WITH BLINDNESS AND DEAFNESS 2. Identifiers: Orphanet 572543, Orphanet 97229, MedGen C3553538, MONDO:0013867, OMIM 614707.

Allele frequency attached by ClinVar (database versions not stated): gnomAD exomes below 0.00001.

Submissions (2):

Department of Medical and Molecular Genetics, Dongguan Institute of Pediatrics
Classification: Pathogenic for Brown-Vialetto-van Laere syndrome 2. Last evaluated: 2023-06-26. Review status: criteria provided, single submitter. Criteria: ACMG Guidelines, 2015. Collection method: clinical testing. Allele origin: germline. Inheritance: Autosomal recessive inheritance. Affected: yes.
Comment: The NM_001363118.2: c.593G>A variant is a nonsense substitution in the SLC52A2 gene, predicted to result in a premature termination codon at position 198 (p.Trp198*). This null variant is expected to lead to nonsense-mediated mRNA decay or to produce a severely truncated, non-functional protein. Loss-of-function is a well-established disease mechanism for autosomal recessive Brown-Vialetto-Van Laere syndrome type 2 (PVS1). The variant is absent or present at an extremely low frequency in population databases (PM2_Supporting). In summary, this variant meets the following ACMG/AMP criteria: PVS1, PM2_Supporting, PM3_Supporting. Based on this evidence, it is classified as Pathogenic for Brown-Vialetto-Van Laere syndrome type 2.

Labcorp Genetics (formerly Invitae), Labcorp
Classification: Pathogenic for Brown-Vialetto-van Laere syndrome 2. Last evaluated: 2022-11-09. Review status: criteria provided, single submitter. Criteria: Invitae Variant Classification Sherloc (09022015). Collection method: clinical testing. Allele origin: germline.
Comment: This sequence change creates a premature translational stop signal (p.Trp198*) in the SLC52A2 gene. It is expected to result in an absent or disrupted protein product. Loss-of-function variants in SLC52A2 are known to be pathogenic (PMID: 24253200). This variant is not present in population databases (gnomAD no frequency). This premature translational stop signal has been observed in individual(s) with sensorineural hearing loss (PMID: 31152317). ClinVar contains an entry for this variant (Variation ID: 1070775). For these reasons, this variant has been classified as Pathogenic.

Literature cited by the submitters: PubMed 24253200 (cited by Department of Medical and Molecular Genetics, Dongguan Institute of Pediatrics and Labcorp Genetics (formerly Invitae), Labcorp); PubMed 31152317 (cited by Labcorp Genetics (formerly Invitae), Labcorp).

NM_001363118.2(SLC52A2):c.593G>A (p.Trp198Ter)

Gene: SLC52A2 (solute carrier family 52 member 2; plus strand). Cytogenetic location: 8q24.3.
Variant type: single nucleotide variant.
Coding change: c.593G>A on transcript NM_001363118.2 (MANE Select); coding-DNA position 593, G replaced by A.
Protein change: p.Trp198Ter; replaces tryptophan 198 with a stop codon.
Molecular consequence: nonsense. On other transcripts: non-coding transcript variant (1), intron variant (1).
Genome position (GRCh38, 1-based): chr8:144,360,085, G>A. VCF-style: chr8-144360085-G-A. GRCh37 (hg19) VCF-style: chr8-145583745-G-A.
Other names: c.593G>A, p.Trp198Ter (NM_001253815.2, NM_001253816.2, NM_001363120.2 and 2 more transcripts); c.131-30G>A (NM_001363122.2); short protein forms W198*.
Identifiers: ClinVar variation 1070775 (VCV001070775.6), dbSNP rs1818749427, ClinGen allele CA372627470.